The following is an entry in ClinVar:

NM_001267550.2(TTN):c.53004G>A (p.Glu17668=)

Genes: TTN (titin; minus strand), TTN-AS1 (TTN antisense RNA 1; plus strand), LOC126806425 (BRD4-independent group 4 enhancer GRCh37_chr2:179471933-179473132; plus strand). Cytogenetic location: 2q31.2.
Variant type: single nucleotide variant.
Coding change: c.53004G>A on transcript NM_001267550.2 (MANE Select); coding-DNA position 53004, G replaced by A.
Protein change: p.Glu17668=; no amino-acid change (glutamic acid 17668 retained).
Molecular consequence: synonymous variant.
Genome position (GRCh38, 1-based): chr2:178,607,684, C>T on the plus strand (G>A on the coding strand, the complement: TTN is on the minus strand). VCF-style: chr2-178607684-C-T. GRCh37 (hg19) VCF-style: chr2-179472411-C-T.
Other names: p.Glu16027=; c.48081G>A, p.Glu16027= (NM_001256850.1); c.25809G>A, p.Glu8603= (NM_003319.4); c.45300G>A, p.Glu15100= (NM_133378.4); c.26184G>A, p.Glu8728= (NM_133432.3); c.26385G>A, p.Glu8795= (NM_133437.4).
Identifiers: ClinVar variation 2033302 (VCV002033302.5), dbSNP rs2470300607, ClinGen allele CA430271227.

ClinVar aggregate classification (germline): Likely benign. Review status: criteria provided, multiple submitters, no conflicts (2 of 4 stars). 2 submissions from 2 submitters: Likely benign (2). Last evaluated 2025-07-26.

Conditions:
Dilated cardiomyopathy 1G (CMD1G). Identifiers: Orphanet 154, MedGen C1858763, MONDO:0011400, OMIM 604145.
Autosomal recessive limb-girdle muscular dystrophy type 2J (LGMDR10). Also called: Limb-girdle muscular dystrophy, type 2J; MUSCULAR DYSTROPHY, LIMB-GIRDLE, AUTOSOMAL RECESSIVE 10. Identifiers: Orphanet 140922, MedGen C1837342, MONDO:0012127, OMIM 608807.

Submissions (2):

Mayo Clinic Laboratories, Mayo Clinic
Classification: Likely benign. Last evaluated: 2025-07-26. Review status: criteria provided, single submitter. Criteria: ACMG Guidelines, 2015. Collection method: clinical testing. Allele origin: germline. Observed: 1 variant allele.
Comment: BP4, BP7, PM2_supporting

Labcorp Genetics (formerly Invitae), Labcorp
Classification: Likely benign for Dilated cardiomyopathy 1G; Autosomal recessive limb-girdle muscular dystrophy type 2J. Last evaluated: 2022-11-21. Review status: criteria provided, single submitter. Criteria: Invitae Variant Classification Sherloc (09022015). Collection method: clinical testing. Allele origin: germline.